The following is an entry in ClinVar:

NM_000719.7(CACNA1C):c.1508+205A>G

Gene: CACNA1C (calcium voltage-gated channel subunit alpha1 C; plus strand). Cytogenetic location: 12p13.33.
Variant type: single nucleotide variant.
Coding change: c.1508+205A>G on transcript NM_000719.7 (MANE Select); 205 bases into the intron after coding-DNA position 1508, A replaced by G.
Molecular consequence: intron variant.
Genome position (GRCh38, 1-based): chr12:2,557,182, A>G. VCF-style: chr12-2557182-A-G. GRCh37 (hg19) VCF-style: chr12-2666348-A-G.
Other names: c.1508+205A>G (NM_001167624.3, NM_001167623.2, NM_001167625.2 and 18 more transcripts); c.1499+205A>G (NM_001129844.2).
Identifiers: ClinVar variation 671798 (VCV000671798.5), dbSNP rs2370596, ClinGen allele CA13611088.

ClinVar aggregate classification (germline): Benign. Review status: criteria provided, multiple submitters, no conflicts (2 of 4 stars). 2 submissions from 2 submitters: Benign (2). Last evaluated 2019-12-31.

Conditions:
Long QT syndrome (LQTS). Identifiers: MedGen C0023976, MeSH D008133, MONDO:0002442. Disease mechanism: loss of function. Inheritance: Various modes of inheritance.

Allele frequency attached by ClinVar (database versions not stated): TOPMed 0.64501; gnomAD 0.65274 and 0.65781; 1000 Genomes Project 30x 0.63866; 1000 Genomes Project 0.64237.
gnomAD v4.1: 100,106 of 152,074 alleles (66%); highest among the groups gnomAD compares: Non-Finnish European, 74%; 34,166 homozygotes.

Submissions (2):

Labcorp Genetics (formerly Invitae), Labcorp
Classification: Benign for Long QT syndrome. Last evaluated: 2019-12-31. Review status: criteria provided, single submitter. Criteria: Invitae Variant Classification Sherloc (09022015). Collection method: clinical testing. Allele origin: germline.

GeneDx
Classification: Benign. Last evaluated: 2018-06-14. Review status: criteria provided, single submitter. Criteria: GeneDx Variant Classification (06012015). Collection method: clinical testing. Allele origin: germline. Affected: yes.
Comment: This variant is considered likely benign or benign based on one or more of the following criteria: it is a conservative change, it occurs at a poorly conserved position in the protein, it is predicted to be benign by multiple in silico algorithms, and/or has population frequency not consistent with disease.